The following is an entry in ClinVar:

NM_000535.7(PMS2):c.354-14G>A

Gene: PMS2 (PMS1 homolog 2, mismatch repair system component; minus strand). Cytogenetic location: 7p22.1.
Variant type: single nucleotide variant.
Coding change: c.354-14G>A on transcript NM_000535.7 (MANE Select); 14 bases into the intron before coding-DNA position 354, G replaced by A.
Molecular consequence: intron variant. On other transcripts: missense variant (9).
Genome position (GRCh38, 1-based): chr7:6,002,650, C>T on the plus strand (G>A on the coding strand, the complement: PMS2 is on the minus strand). VCF-style: chr7-6002650-C-T. GRCh37 (hg19) VCF-style: chr7-6042281-C-T.
Other names: c.31G>A, p.Val11Ile (NM_001322015.2, NM_001406875.1, NM_001406877.1 and 6 more transcripts); c.36-14G>A (NM_001322008.2, NM_001406902.1, NM_001406883.1 and 4 more transcripts); c.-52-14G>A (NM_001406895.1, NM_001406911.1, NM_001322010.2 and 24 more transcripts); c.-531-14G>A (NM_001322012.2, NM_001322011.2); c.250+1322G>A (NM_001406885.1); c.354-14G>A (NM_001406886.1, NM_001406884.1, NM_001406874.1 and 8 more transcripts); c.378-14G>A (NM_001406868.1); c.540-14G>A (NM_001406866.1); short protein forms V11I.
Identifiers: ClinVar variation 3903570 (VCV003903570.2).
Genomic context (GRCh38, chr7:6,002,650, plus strand): 5'-GAGTTCCAACCTTCGCCGATGCGTGGCAGGTAGAAATGGTGACATCGCTGTGAGAGAATA[C>T]CAGGCATGGTGTGTTCAGTGAGAGACCCATGATGTTGGGCACTGACTACTCTTTTCTTCA-3'

ClinVar aggregate classification (germline): Likely benign. Review status: criteria provided, multiple submitters, no conflicts (2 of 4 stars). 2 submissions from 2 submitters: Likely benign (2). Last evaluated 2025-01-24.

Conditions:
Lynch syndrome 4 (LYNCH4). Also called: Hereditary non-polyposis colorectal cancer, type 4; Colorectal cancer, hereditary nonpolyposis, type 4. Identifiers: Orphanet 144, MedGen C1838333, MONDO:0013699, OMIM 614337. Disease mechanism: loss of function.

Submissions (2):

Myriad Genetics, Inc.
Classification: Likely benign for Lynch syndrome 4. Last evaluated: 2025-01-24. Review status: criteria provided, single submitter. Criteria: Myriad Autosomal Dominant, Autosomal Recessive and X-Linked Classification Criteria (2023). Collection method: clinical testing. Allele origin: unknown.
Comment: This variant is considered likely benign. This variant is intronic and is not expected to impact mRNA splicing.

Blueprint Genetics
Classification: Likely benign. Last evaluated: 2021-11-24. Review status: criteria provided, single submitter. Criteria: ACMG Guidelines, 2015. Collection method: clinical testing. Allele origin: germline.